The following is an entry in ClinVar:

ClinVar aggregate classification (germline): Uncertain significance (1 of 4 stars; one submission).

Submission:

GeneDx
Classification: Uncertain significance. Last evaluated: 2021-04-08. Review status: criteria provided, single submitter. Criteria: GeneDx Variant Classification Process June 2021. Collection method: clinical testing. Allele origin: germline. Affected: yes.
Comment: Not observed in large population cohorts (Lek et al., 2016); In silico analysis supports that this missense variant has a deleterious effect on protein structure/function; Has not been previously published as pathogenic or benign to our knowledge

NM_153704.6(TMEM67):c.322A>G (p.Thr108Ala)

Gene: TMEM67 (transmembrane protein 67; plus strand). Cytogenetic location: 8q22.1.
Variant type: single nucleotide variant.
Coding change: c.322A>G on transcript NM_153704.6 (MANE Select); coding-DNA position 322, A replaced by G.
Protein change: p.Thr108Ala; replaces threonine 108 with alanine.
Molecular consequence: missense variant. On other transcripts: 5 prime UTR variant (1), non-coding transcript variant (1).
Genome position (GRCh38, 1-based): chr8:93,758,492, A>G. VCF-style: chr8-93758492-A-G. GRCh37 (hg19) VCF-style: chr8-94770720-A-G.
Other names: c.-56A>G (NM_001142301.1); short protein forms T108A.
Identifiers: ClinVar variation 1314518 (VCV001314518.2), dbSNP rs2130544692, ClinGen allele CA371685750.